The following is an entry in ClinVar:

ClinVar aggregate classification (germline): Pathogenic. Review status: criteria provided, multiple submitters, no conflicts (2 of 4 stars). 3 submissions from 3 submitters: Pathogenic (3). Last evaluated 2026-03-26.

Conditions:
Cohen syndrome (COH1). Also called: PEPPER SYNDROME; Cutis verticis gyrata, retinitis pigmentosa, and sensorineural deafness. Identifiers: Orphanet 193, MedGen C0265223, MONDO:0008999, OMIM 216550.

Submissions (3):

Kasturba Medical College, Manipal, Kasturba Medical College, Manipal, Manipal Academy of Higher Education, Manipal, India
Classification: Pathogenic for Cohen syndrome. Last evaluated: 2026-03-26. Review status: criteria provided, single submitter. Criteria: ACMG Guidelines, 2015. Collection method: clinical testing. Allele origin: unknown. Inheritance: Autosomal recessive inheritance. Affected: no. Observed: 1 variant allele, 1 heterozygote.
Comment: This variant is not observed in homozygous and/or heterozygous state in gnomAD (V4.1.0) population database. This variant is observed in heterozygous state in two individuals in our in-house data of 4060 exomes. This variant is likely to cause shift in the reading frame of the transcript which will either cause the transcript to undergo nonsense-mediated mRNA decay or formation of a truncated protein product.

Natera, Inc.
Classification: Pathogenic for Cohen syndrome. Last evaluated: 2026-01-26. Review status: criteria provided, single submitter. Criteria: Natera Variant Classification Schema (03/2026). Collection method: clinical testing. Allele origin: germline.
Comment: The c.5272dupG variant in VPS13B is a frameshift variant predicted to shift the reading frame beginning at codon 1758 and leads to a stop codon 11 codons downstream. This variant is expected to result in nonsense mediated decay, truncation, or a dysfunctional protein product. This variant is rare in the general population with a frequency below the threshold expected for the associated phenotype(s). This variant has been observed in one or more individuals affected with the associated recessive disease, as either homozygous or compound heterozygous with a second variant (PMID: 32170714). Given the available evidence, this variant is classified as Pathogenic.

Labcorp Genetics (formerly Invitae), Labcorp
Classification: Pathogenic for Cohen syndrome. Last evaluated: 2023-09-29. Review status: criteria provided, single submitter. Criteria: Invitae Variant Classification Sherloc (09022015). Collection method: clinical testing. Allele origin: germline.
Comment: This variant is not present in population databases (gnomAD no frequency). For these reasons, this variant has been classified as Pathogenic. ClinVar contains an entry for this variant (Variation ID: 1917851). This premature translational stop signal has been observed in individual(s) with Cohen syndrome (PMID: 32170714). This sequence change creates a premature translational stop signal (p.Glu1758Glyfs*11) in the VPS13B gene. It is expected to result in an absent or disrupted protein product. Loss-of-function variants in VPS13B are known to be pathogenic (PMID: 15141358, 16648375, 20461111).

Literature cited by the submitters: PubMed 32170714 (cited by 3 submitters); PubMed 15141358 (cited by Labcorp Genetics (formerly Invitae), Labcorp); PubMed 16648375 (cited by Labcorp Genetics (formerly Invitae), Labcorp); PubMed 20461111 (cited by Labcorp Genetics (formerly Invitae), Labcorp).

NM_152564.5(VPS13B):c.5197dup (p.Glu1733fs)

Gene: VPS13B (vacuolar protein sorting 13 homolog B; plus strand). Cytogenetic location: 8q22.2.
Variant type: Duplication.
Coding change: c.5197dup on transcript NM_152564.5 (MANE Select); coding-DNA position 5197, one base duplicated (G; older notation c.5197dupG).
Protein change: p.Glu1733fs; shifts the reading frame from glutamic acid 1733.
Molecular consequence: frameshift variant.
Genome position (GRCh38, 1-based): chr8:99,577,610, G duplicated; the last of 2 consecutive G bases (chr8:99,577,609-99,577,610); duplicating either gives the same sequence. VCF-style (leftmost placement, unchanged base first): chr8-99577608-T-TG. GRCh37 (hg19) VCF-style: chr8-100589836-T-TG.
Other names: c.5272dupG (NM_017890.4); c.5272dup, p.Glu1758fs (NM_017890.5); short protein forms E1758fs, E1733fs.
Identifiers: ClinVar variation 1917851 (VCV001917851.9), dbSNP rs2490910717, ClinGen allele CA2580079142.